The following is an entry in ClinVar:

ClinVar aggregate classification (germline): Uncertain significance (1 of 4 stars; one submission).

Submission:

Labcorp Genetics (formerly Invitae), Labcorp
Classification: Uncertain significance. Last evaluated: 2025-08-17. Review status: criteria provided, single submitter. Criteria: Invitae Variant Classification Sherloc (09022015). Collection method: clinical testing. Allele origin: germline.
Comment: This sequence change replaces proline, which is neutral and non-polar, with arginine, which is basic and polar, at codon 1553 of the ARID1A protein (p.Pro1553Arg). This variant is not present in population databases (gnomAD no frequency). This variant has not been reported in the literature in individuals affected with ARID1A-related conditions. Invitae Evidence Modeling of protein sequence and biophysical properties (such as structural, functional, and spatial information, amino acid conservation, physicochemical variation, residue mobility, and thermodynamic stability) indicates that this missense variant is not expected to disrupt ARID1A protein function with a negative predictive value of 80%. In summary, the available evidence is currently insufficient to determine the role of this variant in disease. Therefore, it has been classified as a Variant of Uncertain Significance.

NM_006015.6(ARID1A):c.4658C>G (p.Pro1553Arg)

Gene: ARID1A (AT-rich interaction domain 1A; plus strand). Cytogenetic location: 1p36.11.
Variant type: single nucleotide variant.
Coding change: c.4658C>G on transcript NM_006015.6 (MANE Select); coding-DNA position 4658, C replaced by G.
Protein change: p.Pro1553Arg; replaces proline 1553 with arginine.
Molecular consequence: missense variant. On other transcripts: intron variant (1).
Genome position (GRCh38, 1-based): chr1:26,774,885, C>G. VCF-style: chr1-26774885-C-G. GRCh37 (hg19) VCF-style: chr1-27101376-C-G.
Other names: c.4102-95C>G (NM_139135.4); short protein forms P1553R.
Identifiers: ClinVar variation 4741016 (VCV004741016.1).